The following is an entry in ClinVar:

NM_000077.5(CDKN2A):c.150+5G>T

Gene: CDKN2A (cyclin dependent kinase inhibitor 2A; minus strand). Cytogenetic location: 9p21.3.
Variant type: single nucleotide variant.
Coding change: c.150+5G>T on transcript NM_000077.5 (MANE Select); 5 bases into the intron after coding-DNA position 150, G replaced by T.
Molecular consequence: intron variant. On other transcripts: missense variant (1).
Genome position (GRCh38, 1-based): chr9:21,974,673, C>A on the plus strand (G>T on the coding strand, the complement: CDKN2A is on the minus strand). VCF-style: chr9-21974673-C-A. GRCh37 (hg19) VCF-style: chr9-21974672-C-A.
Other names: c.155G>T, p.Gly52Val (NM_058197.5); c.-3-3465G>T (NM_001363763.2); c.194-3465G>T (NM_058195.4); c.150+5G>T (NM_001195132.2); short protein forms G52V.
Identifiers: ClinVar variation 491564 (VCV000491564.18), dbSNP rs1554656188, ClinGen allele CA658683542.

ClinVar aggregate classification (germline): Uncertain significance. Review status: criteria provided, multiple submitters, no conflicts (2 of 4 stars). 3 submissions from 3 submitters: Uncertain significance (3). Last evaluated 2025-10-28.

Conditions:
Hereditary cancer-predisposing syndrome. Also called: Hereditary Cancer Syndrome; Neoplastic Syndromes, Hereditary; Tumor predisposition; Hereditary neoplastic syndrome. Identifiers: Orphanet 140162, MedGen C0027672, MeSH D009386, MONDO:0015356.
Familial melanoma. Also called: Hereditary melanoma; Hereditary cutaneous melanoma. Identifiers: Orphanet 618, MedGen C1512419, MONDO:0018961.

Submissions (3):

Ambry Genetics
Classification: Uncertain significance for Hereditary cancer-predisposing syndrome. Last evaluated: 2025-10-28. Review status: criteria provided, single submitter. Criteria: Ambry Variant Classification Scheme 2023. Collection method: clinical testing. Allele origin: germline.
Comment: The c.150+5G>T intronic variant results from a G to T substitution 5 nucleotides after coding exon 1 in the CDKN2A gene. This nucleotide position is well conserved in available vertebrate species. In silico splice site analysis predicts that this alteration may weaken the native splice donor site; however, direct evidence is insufficient (Ambry internal data). Based on the available evidence, the clinical significance of this variant remains unclear.

Labcorp Genetics (formerly Invitae), Labcorp
Classification: Uncertain significance for Familial melanoma. Last evaluated: 2024-10-20. Review status: criteria provided, single submitter. Criteria: Invitae Variant Classification Sherloc (09022015). Collection method: clinical testing. Allele origin: germline.
Comment: This sequence change falls in intron 1 of the CDKN2A (p16INK4a) gene. It does not directly change the encoded amino acid sequence of the CDKN2A (p16INK4a) protein. It affects a nucleotide within the consensus splice site. This variant is not present in population databases (gnomAD no frequency). This variant has not been reported in the literature in individuals affected with CDKN2A (p16INK4a)-related conditions. ClinVar contains an entry for this variant (Variation ID: 491564). Variants that disrupt the consensus splice site are a relatively common cause of aberrant splicing (PMID: 17576681, 9536098). Algorithms developed to predict the effect of sequence changes on RNA splicing suggest that this variant may disrupt the consensus splice site. In summary, the available evidence is currently insufficient to determine the role of this variant in disease. Therefore, it has been classified as a Variant of Uncertain Significance.

Color Diagnostics, LLC DBA Color Health
Classification: Uncertain significance for Hereditary cancer-predisposing syndrome. Last evaluated: 2019-09-20. Review status: criteria provided, single submitter. Criteria: ACMG Guidelines, 2015. Collection method: clinical testing. Allele origin: germline.
Comment: This variant causes a G>T nucleotide substitution at the +5 position of intron 1 of the CDKN2A (p16INK4A) gene. Splice site prediction tools suggest that this variant may have a significant impact on RNA splicing. However, this prediction has not been confirmed in published RNA studies. This variant has not been reported in individuals affected with hereditary cancer in the literature. This variant has not been identified in the general population by the Genome Aggregation Database (gnomAD). The available evidence is insufficient to determine the role of this variant in disease conclusively. Therefore, this variant is classified as a Variant of Uncertain Significance.

Literature cited by the submitters: PubMed 17576681 (cited by Labcorp Genetics (formerly Invitae), Labcorp); PubMed 9536098 (cited by Labcorp Genetics (formerly Invitae), Labcorp).